The following is an entry in ClinVar:

NM_020247.5(COQ8A):c.1188C>T (p.Asp396=)

Gene: COQ8A (coenzyme Q8A; plus strand). Cytogenetic location: 1q42.13.
Variant type: single nucleotide variant.
Coding change: c.1188C>T on transcript NM_020247.5 (MANE Select); coding-DNA position 1188, C replaced by T.
Protein change: p.Asp396=; no amino-acid change (aspartic acid 396 retained).
Molecular consequence: synonymous variant.
Genome position (GRCh38, 1-based): chr1:226,983,786, C>T. VCF-style: chr1-226983786-C-T. GRCh37 (hg19) VCF-style: chr1-227171487-C-T.
Identifiers: ClinVar variation 296018 (VCV000296018.46), dbSNP rs139133094, ClinGen allele CA1425354.

ClinVar aggregate classification (germline): Conflicting classifications of pathogenicity. Review status: criteria provided, conflicting classifications (1 of 4 stars). 9 submissions from 9 submitters: Uncertain significance (1); Benign (1); Likely benign (5). 2 of the submissions do not count toward it. Last evaluated 2026-08-01.

Conditions:
Autosomal recessive ataxia due to ubiquinone deficiency. Also called: SPINOCEREBELLAR ATAXIA, AUTOSOMAL RECESSIVE 9; Coenzyme Q10 deficiency, primary, 4. Identifiers: Orphanet 139485, MedGen C2677589, MONDO:0012784, OMIM 612016.

Allele frequency attached by ClinVar (database versions not stated): ESP Exome Variant Server 0.00008; 1000 Genomes Project 0.00020; gnomAD 0.00025 and 0.00026; TOPMed 0.00030; 1000 Genomes Project 30x 0.00078.
gnomAD v4.1: 441 of 1,613,030 alleles (0.027%); highest among the groups gnomAD compares: Middle Eastern, 0.72%; 2 homozygotes.

Submissions (9):

CeGaT Center for Human Genetics Tuebingen
Classification: Likely benign. Last evaluated: 2026-08-01. Review status: criteria provided, single submitter. Criteria: CeGaT Center For Human Genetics Tuebingen Variant Classification Criteria Version 2. Collection method: clinical testing. Allele origin: germline. Affected: yes. Observed: 2 variant alleles.
Comment: COQ8A: BP4, BP7

Labcorp Genetics (formerly Invitae), Labcorp
Classification: Likely benign. Last evaluated: 2025-12-25. Review status: criteria provided, single submitter. Criteria: Invitae Variant Classification Sherloc (09022015). Collection method: clinical testing. Allele origin: germline.

Laboratory of Genetics, Children's Clinical University Hospital Latvia
Classification: Likely benign. Last evaluated: 2025-02-16. Review status: criteria provided, single submitter. Criteria: ACMG Guidelines, 2015. Collection method: clinical testing. Allele origin: germline. Affected: yes.

Blueprint Genetics
Classification: Likely benign. Last evaluated: 2024-11-01. Review status: criteria provided, single submitter. Criteria: ACMG Guidelines, 2015. Collection method: clinical testing. Allele origin: germline.

GeneDx
Classification: Likely benign. Last evaluated: 2021-03-05. Review status: criteria provided, single submitter. Criteria: GeneDx Variant Classification Process June 2021. Collection method: clinical testing. Allele origin: germline. Affected: yes.

Athena Diagnostics
Classification: Benign. Last evaluated: 2018-10-04. Review status: criteria provided, single submitter. Criteria: Athena Diagnostics Criteria. Collection method: clinical testing. Allele origin: germline.

Illumina Laboratory Services, Illumina
Classification: Uncertain significance for Autosomal recessive ataxia due to ubiquinone deficiency. Last evaluated: 2018-01-12. Review status: criteria provided, single submitter. Criteria: ICSL Variant Classification Criteria 13 December 2019. Collection method: clinical testing. Allele origin: germline.

Clinical Genetics DNA and cytogenetics Diagnostics Lab, Erasmus MC, Erasmus Medical Center
Classification: Likely benign. Review status: no assertion criteria provided. Collection method: clinical testing. Allele origin: germline. Affected: yes. Study: VKGL Data-share Consensus. Not counted in ClinVar's aggregate classification.

Clinical Genetics, Academic Medical Center
Classification: Benign. Review status: no assertion criteria provided. Collection method: clinical testing. Allele origin: germline. Affected: yes. Study: VKGL Data-share Consensus. Not counted in ClinVar's aggregate classification.